The following is an entry in ClinVar:

ClinVar aggregate classification (germline): Uncertain significance. Review status: criteria provided, multiple submitters, no conflicts (2 of 4 stars). 2 submissions from 2 submitters: Uncertain significance (2). Last evaluated 2025-11-20.

Conditions:
Inborn genetic diseases. Identifiers: MedGen C0950123, MeSH D030342.
Myopathy, proximal, and ophthalmoplegia (CMYO6). Also called: MYOPATHY WITH CONGENITAL JOINT CONTRACTURES, OPHTHALMOPLEGIA, AND RIMMED VACUOLES; INCLUSION BODY MYOPATHY 3, AUTOSOMAL DOMINANT; CONGENITAL MYOPATHY 6 WITH OPHTHALMOPLEGIA. Identifiers: Orphanet 363677, Orphanet 79091, MedGen C1854106, MONDO:0011577, OMIM 605637.

Allele frequency attached by ClinVar (database versions not stated): gnomAD exomes below 0.00001; ExAC 0.00001; gnomAD 0.00004.

Submissions (2):

Ambry Genetics
Classification: Uncertain significance for Inborn genetic diseases. Last evaluated: 2025-11-20. Review status: criteria provided, single submitter. Criteria: Ambry Variant Classification Scheme 2023. Collection method: clinical testing. Allele origin: germline.

Labcorp Genetics (formerly Invitae), Labcorp
Classification: Uncertain significance for Myopathy, proximal, and ophthalmoplegia. Last evaluated: 2025-09-08. Review status: criteria provided, single submitter. Criteria: Invitae Variant Classification Sherloc (09022015). Collection method: clinical testing. Allele origin: germline.
Comment: This sequence change replaces serine, which is neutral and polar, with threonine, which is neutral and polar, at codon 1497 of the MYH2 protein (p.Ser1497Thr). This variant is present in population databases (rs778352424, gnomAD 0.01%). This variant has not been reported in the literature in individuals affected with MYH2-related conditions. ClinVar contains an entry for this variant (Variation ID: 2051673). Invitae Evidence Modeling of protein sequence and biophysical properties (such as structural, functional, and spatial information, amino acid conservation, physicochemical variation, residue mobility, and thermodynamic stability) indicates that this missense variant is not expected to disrupt MYH2 protein function with a negative predictive value of 80%. In summary, the available evidence is currently insufficient to determine the role of this variant in disease. Therefore, it has been classified as a Variant of Uncertain Significance.

NM_017534.6(MYH2):c.4489T>A (p.Ser1497Thr)

Genes: MYHAS (myosin heavy chain gene cluster antisense RNA; plus strand), MYH2 (myosin heavy chain 2; minus strand), LOC126862500 (BRD4-independent group 4 enhancer GRCh37_chr17:10427829-10429028; plus strand). Cytogenetic location: 17p13.1.
Variant type: single nucleotide variant.
Coding change: c.4489T>A on transcript NM_017534.6 (MANE Select); coding-DNA position 4489, T replaced by A.
Protein change: p.Ser1497Thr; replaces serine 1497 with threonine.
Molecular consequence: missense variant.
Genome position (GRCh38, 1-based): chr17:10,525,499, A>T on the plus strand (T>A on the coding strand, the complement: MYH2 is on the minus strand). VCF-style: chr17-10525499-A-T. GRCh37 (hg19) VCF-style: chr17-10428816-A-T.
Other names: c.4489T>A, p.Ser1497Thr (NM_001100112.2); c.4489T>A (NM_017534.5); short protein forms S1497T.
Identifiers: ClinVar variation 2051673 (VCV002051673.5), dbSNP rs778352424, ClinGen allele CA8390620.